The following is an entry in ClinVar:

NM_000264.5(PTCH1):c.878A>G (p.Asp293Gly)

Gene: PTCH1 (patched 1; minus strand). Cytogenetic location: 9q22.32.
Variant type: single nucleotide variant.
Coding change: c.878A>G on transcript NM_000264.5 (MANE Select); coding-DNA position 878, A replaced by G.
Protein change: p.Asp293Gly; replaces aspartic acid 293 with glycine.
Molecular consequence: missense variant. On other transcripts: non-coding transcript variant (1).
Genome position (GRCh38, 1-based): chr9:95,480,457, T>C on the plus strand (A>G on the coding strand, the complement: PTCH1 is on the minus strand). VCF-style: chr9-95480457-T-C. GRCh37 (hg19) VCF-style: chr9-98242739-T-C.
Other names: c.425A>G, p.Asp142Gly (NM_001083607.3, NM_001083604.3, NM_001083605.3 and 1 more transcripts); c.878A>G, p.Asp293Gly (NM_001354918.2); c.878A>G (NM_000264.3); c.680A>G, p.Asp227Gly (NM_001083602.3); c.875A>G, p.Asp292Gly (NM_001083603.3); short protein forms D142G, D227G, D292G, D293G.
Identifiers: ClinVar variation 1003668 (VCV001003668.11), dbSNP rs768095469, ClinGen allele CA5138829.

ClinVar aggregate classification (germline): Conflicting classifications of pathogenicity. Review status: criteria provided, conflicting classifications (1 of 4 stars). 3 submissions from 3 submitters: Uncertain significance (2); Benign (1). Last evaluated 2025-09-10.

Conditions:
Basal cell carcinoma, susceptibility to, 1. Also called: BCC1. Identifiers: MedGen C2751544, MONDO:0011556, OMIM 605462.
Hereditary cancer-predisposing syndrome. Also called: Hereditary neoplastic syndrome; Neoplastic Syndromes, Hereditary; Tumor predisposition; Hereditary Cancer Syndrome. Identifiers: Orphanet 140162, MedGen C0027672, MeSH D009386, MONDO:0015356.
Gorlin syndrome. Also called: Nevoid Basal Cell Carcinoma Syndrome; Basal cell nevus syndrome. Identifiers: Orphanet 377, MedGen C0004779, MONDO:0007187.

Allele frequency attached by ClinVar (database versions not stated): ExAC 0.00001; gnomAD exomes 0.00001.
gnomAD v4.1: 3 of 1,609,834 alleles (0.00019%); highest among the groups gnomAD compares: East Asian, 0.0067%; no homozygotes.

Submissions (3):

Labcorp Genetics (formerly Invitae), Labcorp
Classification: Benign for Gorlin syndrome. Last evaluated: 2025-09-10. Review status: criteria provided, single submitter. Criteria: Invitae Variant Classification Sherloc (09022015). Collection method: clinical testing. Allele origin: germline.

Ambry Genetics
Classification: Uncertain significance for Hereditary cancer-predisposing syndrome. Last evaluated: 2024-11-17. Review status: criteria provided, single submitter. Criteria: Ambry Variant Classification Scheme 2023. Collection method: clinical testing. Allele origin: germline.
Comment: The p.D293G variant (also known as c.878A>G), located in coding exon 6 of the PTCH1 gene, results from an A to G substitution at nucleotide position 878. The aspartic acid at codon 293 is replaced by glycine, an amino acid with similar properties. This amino acid position is conserved. In addition, this alteration is predicted to be deleterious by in silico analysis. Based on the available evidence, the clinical significance of this variant remains unclear.

Baylor Genetics
Classification: Uncertain significance for Basal cell carcinoma, susceptibility to, 1. Last evaluated: 2023-08-30. Review status: criteria provided, single submitter. Criteria: ACMG Guidelines, 2015. Collection method: clinical testing. Allele origin: unknown.